The following is an entry in ClinVar:

ClinVar aggregate classification (germline): Uncertain significance (1 of 4 stars; one submission).

Conditions:
Neuropathy, hereditary sensory, type 2C. Also called: Hereditary sensory and autonomic neuropathy type IIC; KIF1A-Related HSAN2 (HSAN2C). Identifiers: Orphanet 970, MedGen C3280168, MONDO:0013634, OMIM 614213.
Intellectual disability, autosomal dominant 9 (NESCAVS). Also called: NESCAV SYNDROME; KIF1A-Related Neurodevelopmental Disorder. Identifiers: Orphanet 662367, MedGen C5393830, MONDO:0013656, OMIM 614255.
Hereditary spastic paraplegia 30. Identifiers: Orphanet 101010, MedGen C5235139, MONDO:0012476.

Submission:

Labcorp Genetics (formerly Invitae), Labcorp
Classification: Uncertain significance for Hereditary spastic paraplegia 30; Neuropathy, hereditary sensory, type 2C; Intellectual disability, autosomal dominant 9. Last evaluated: 2022-02-09. Review status: criteria provided, single submitter. Criteria: Invitae Variant Classification Sherloc (09022015). Collection method: clinical testing. Allele origin: germline.
Comment: This sequence change replaces leucine, which is neutral and non-polar, with histidine, which is basic and polar, at codon 805 of the KIF1A protein (p.Leu805His). This variant is not present in population databases (gnomAD no frequency). This variant has not been reported in the literature in individuals affected with KIF1A-related conditions. Algorithms developed to predict the effect of missense changes on protein structure and function (SIFT, PolyPhen-2, Align-GVGD) all suggest that this variant is likely to be disruptive. In summary, the available evidence is currently insufficient to determine the role of this variant in disease. Therefore, it has been classified as a Variant of Uncertain Significance.

NM_001244008.2(KIF1A):c.2441T>A (p.Leu814His)

Gene: KIF1A (kinesin family member 1A; minus strand). Cytogenetic location: 2q37.3.
Variant type: single nucleotide variant.
Coding change: c.2441T>A on transcript NM_001244008.2 (MANE Select); coding-DNA position 2441, T replaced by A.
Protein change: p.Leu814His; replaces leucine 814 with histidine.
Molecular consequence: missense variant.
Genome position (GRCh38, 1-based): chr2:240,760,668, A>T on the plus strand (T>A on the coding strand, the complement: KIF1A is on the minus strand). VCF-style: chr2-240760668-A-T. GRCh37 (hg19) VCF-style: chr2-241700085-A-T.
Other names: c.2441T>A, p.Leu814His (NM_001320705.2, NM_001330289.2, NM_001379638.1); c.2516T>A, p.Leu839His (NM_001330290.2, NM_001379631.1, NM_001379634.1 and 2 more transcripts); c.2414T>A, p.Leu805His (NM_001379632.1, NM_001379633.1, NM_001379636.1 and 11 more transcripts); c.2489T>A, p.Leu830His (NM_001379637.1, NM_001379648.1); short protein forms L814H, L805H, L830H, L839H.
Identifiers: ClinVar variation 2095547 (VCV002095547.4), dbSNP rs2537596055, ClinGen allele CA351324469.
Genomic context (GRCh38, chr2:240,760,668, plus strand): 5'-TTCAGCCCTGCCCAGGAGGACCCTCCCACCATCCACCCAGCGGCCCTCCAGCCCCACCTG[A>T]GCTTCTCCAGCGTCCAGTAGTGGGTGGCCCCGTTCTTCTGGTCCTGGACCTCCACGGCCA-3'
Protein context (NP_001230937.1, residues 804-824): GATHYWTLEK[Leu814His]RQRLDLMREM